The following is an entry in ClinVar:

NM_001365999.1(SZT2):c.4401+3G>A

Gene: SZT2 (SZT2 subunit of KICSTOR complex; plus strand). Cytogenetic location: 1p34.2.
Variant type: single nucleotide variant.
Coding change: c.4401+3G>A on transcript NM_001365999.1 (MANE Select); 3 bases into the intron after coding-DNA position 4401, G replaced by A.
Molecular consequence: intron variant.
Genome position (GRCh38, 1-based): chr1:43,430,106, G>A. VCF-style: chr1-43430106-G-A. GRCh37 (hg19) VCF-style: chr1-43895777-G-A.
Other names: c.4230+3G>A (NM_015284.4).
Identifiers: ClinVar variation 2104245 (VCV002104245.4), dbSNP rs201009948, ClinGen allele CA809269.

ClinVar aggregate classification (germline): Uncertain significance (1 of 4 stars; one submission).

Allele frequency attached by ClinVar (database versions not stated): gnomAD 0.00001; gnomAD exomes 0.00001; ExAC 0.00002; 1000 Genomes Project 30x 0.00016; 1000 Genomes Project 0.00020.
gnomAD v4.1: 4 of 1,614,076 alleles (0.00025%); highest among the groups gnomAD compares: Non-Finnish European, 0.000085%; no homozygotes.

Submission:

Labcorp Genetics (formerly Invitae), Labcorp
Classification: Uncertain significance. Last evaluated: 2022-02-28. Review status: criteria provided, single submitter. Criteria: Invitae Variant Classification Sherloc (09022015). Collection method: clinical testing. Allele origin: germline.
Comment: In summary, the available evidence is currently insufficient to determine the role of this variant in disease. Therefore, it has been classified as a Variant of Uncertain Significance. Variants that disrupt the consensus splice site are a relatively common cause of aberrant splicing (PMID: 17576681, 9536098). Algorithms developed to predict the effect of sequence changes on RNA splicing suggest that this variant is not likely to affect RNA splicing. This variant has not been reported in the literature in individuals affected with SZT2-related conditions. This variant is present in population databases (rs201009948, gnomAD 0.004%). This sequence change falls in intron 29 of the SZT2 gene. It does not directly change the encoded amino acid sequence of the SZT2 protein. It affects a nucleotide within the consensus splice site.

Literature cited by the submitters: PubMed 17576681; PubMed 9536098.